The following is an entry in ClinVar:

ClinVar aggregate classification (germline): Uncertain significance (1 of 4 stars; one submission).

Allele frequency attached by ClinVar (database versions not stated): gnomAD 0.00001; TOPMed 0.00002.
gnomAD v4.1: 1 of 1,611,142 alleles (0.000062%); highest among the groups gnomAD compares: African/African-American, 0.0013%; no homozygotes.

Submission:

GeneDx
Classification: Uncertain significance. Last evaluated: 2022-05-23. Review status: criteria provided, single submitter. Criteria: GeneDx Variant Classification Process June 2021. Collection method: clinical testing. Allele origin: germline. Affected: yes.
Comment: Not observed at significant frequency in large population cohorts (gnomAD); In silico analysis supports that this missense variant does not alter protein structure/function; Has not been previously published as pathogenic or benign to our knowledge

NM_018060.4(IARS2):c.74C>T (p.Pro25Leu)

Genes: IARS2 (isoleucyl-tRNA synthetase 2, mitochondrial; plus strand), LOC129932529 (ATAC-STARR-seq lymphoblastoid silent region 1823; plus strand). Cytogenetic location: 1q41.
Variant type: single nucleotide variant.
Coding change: c.74C>T on transcript NM_018060.4 (MANE Select); coding-DNA position 74, C replaced by T.
Protein change: p.Pro25Leu; replaces proline 25 with leucine.
Molecular consequence: missense variant.
Genome position (GRCh38, 1-based): chr1:220,094,290, C>T. VCF-style: chr1-220094290-C-T. GRCh37 (hg19) VCF-style: chr1-220267632-C-T.
Other names: short protein forms P25L.
Identifiers: ClinVar variation 1800852 (VCV001800852.1), dbSNP rs1252855167, ClinGen allele CA344619132.